The following is an entry in ClinVar:

ClinVar aggregate classification (germline): Likely benign. Review status: criteria provided, multiple submitters, no conflicts (2 of 4 stars). 2 submissions from 2 submitters: Likely benign (2). Last evaluated 2026-01-25.

Conditions:
Tuberous sclerosis 2 (TSC2). Identifiers: Orphanet 805, MedGen C1860707, MONDO:0013199, OMIM 613254.

gnomAD v4.1: 1 of 1,613,172 alleles (0.000062%); highest among the groups gnomAD compares: Non-Finnish European, 0.000085%; no homozygotes.

Submissions (2):

Labcorp Genetics (formerly Invitae), Labcorp
Classification: Likely benign for Tuberous sclerosis 2. Last evaluated: 2026-01-25. Review status: criteria provided, single submitter. Criteria: Invitae Variant Classification Sherloc (09022015). Collection method: clinical testing. Allele origin: germline.

Myriad Genetics, Inc.
Classification: Likely benign for Tuberous sclerosis 2. Last evaluated: 2025-06-04. Review status: criteria provided, single submitter. Criteria: Myriad Autosomal Dominant, Autosomal Recessive and X-Linked Classification Criteria (2023). Collection method: clinical testing. Allele origin: unknown.
Comment: This variant is considered likely benign. This variant is intronic and is not expected to impact mRNA splicing.

NM_000548.5(TSC2):c.4569+10G>A

Gene: TSC2 (TSC complex subunit 2; plus strand). Cytogenetic location: 16p13.3.
Variant type: single nucleotide variant.
Coding change: c.4569+10G>A on transcript NM_000548.5 (MANE Select); 10 bases into the intron after coding-DNA position 4569, G replaced by A.
Molecular consequence: intron variant.
Genome position (GRCh38, 1-based): chr16:2,085,036, G>A. VCF-style: chr16-2085036-G-A. GRCh37 (hg19) VCF-style: chr16-2135037-G-A.
Other names: c.4500+10G>A (NM_001114382.3); c.4440+10G>A (NM_021055.3, NM_001370405.1); c.4371+10G>A (NM_001363528.2); c.4437+10G>A (NM_001370404.1); c.4368+10G>A (NM_001077183.3); c.4260+10G>A (NM_001318827.2); c.3837+10G>A (NM_001318831.2); c.4224+10G>A (NM_001318829.2); and 1 more.
Identifiers: ClinVar variation 1139084 (VCV001139084.10), dbSNP rs2151545475, ClinGen allele CA2499223341.